The following is an entry in ClinVar:

ClinVar aggregate classification (germline): Uncertain significance (1 of 4 stars; one submission).

Conditions:
Long QT syndrome (LQTS). Identifiers: MedGen C0023976, MeSH D008133, MONDO:0002442. Disease mechanism: loss of function. Inheritance: Various modes of inheritance.

Submission:

All of Us Research Program, National Institutes of Health
Classification: Uncertain significance for Long QT syndrome. Last evaluated: 2023-04-10. Review status: criteria provided, single submitter. Criteria: ACMG Guidelines, 2015. Collection method: clinical testing. Allele origin: germline. Inheritance: Autosomal dominant inheritance. Observed: 1 variant allele, 1 heterozygote.
Comment: This variant causes a C to A nucleotide substitution at the -14 position of intron 15 of the KCNQ1 gene. To our knowledge, functional studies have not been reported for this variant. This variant has not been reported in individuals affected with KCNQ1-related disorders in the literature. This variant has not been identified in the general population by the Genome Aggregation Database (gnomAD). The available evidence is insufficient to determine the role of this variant in disease conclusively. Therefore, this variant is classified as a Variant of Uncertain Significance.

This study involves interpretation of variants in research participants for the purpose of population health screening. Participant phenotype was not available at the time of variant classification. Additional details can be found in publication PMID: 35346344, PMCID: PMC8962531

NM_000218.3(KCNQ1):c.1795-14C>A

Genes: KCNQ1 (potassium voltage-gated channel subfamily Q member 1; plus strand), KCNQ1-AS1 (KCNQ1 antisense RNA 1; minus strand). Cytogenetic location: 11p15.4.
Variant type: single nucleotide variant.
Coding change: c.1795-14C>A on transcript NM_000218.3 (MANE Select); 14 bases into the intron before coding-DNA position 1795, C replaced by A.
Molecular consequence: intron variant.
Genome position (GRCh38, 1-based): chr11:2,847,753, C>A. VCF-style: chr11-2847753-C-A. GRCh37 (hg19) VCF-style: chr11-2868983-C-A.
Other names: c.1525-14C>A (NM_001406837.1); c.1699-14C>A (NM_001406836.1); c.1255-14C>A (NM_001406838.1); c.1414-14C>A (NM_181798.2); c.307-14C>A (NM_001406839.1).
Identifiers: ClinVar variation 3070363 (VCV003070363.1), dbSNP rs1848360692, ClinGen allele CA2612011017.
Genomic context (GRCh38, chr11:2,847,753, plus strand): 5'-CCTGGGCCCTGAGGCTGTCTGCACACCTGGGTGCTTCCCACCACTGACTCTCTCGTCTGC[C>A]TTTGTCCCCGCAGGTGACGCAGCTGGACCAGAGGCTGGCACTCATCACCGACATGCTTCA-3'